The following is an entry in ClinVar:

ClinVar aggregate classification (germline): Uncertain significance. Review status: criteria provided, multiple submitters, no conflicts (2 of 4 stars). 2 submissions from 2 submitters: Uncertain significance (2). Last evaluated 2024-05-30.

Conditions:
Hereditary cancer-predisposing syndrome. Also called: Hereditary neoplastic syndrome; Neoplastic Syndromes, Hereditary; Tumor predisposition; Hereditary Cancer Syndrome. Identifiers: Orphanet 140162, MedGen C0027672, MeSH D009386, MONDO:0015356.
Tuberous sclerosis 1 (TSC1). Identifiers: Orphanet 805, MedGen C1854465, MONDO:0008612, OMIM 191100.

Submissions (2):

Ambry Genetics
Classification: Uncertain significance for Hereditary cancer-predisposing syndrome. Last evaluated: 2024-05-30. Review status: criteria provided, single submitter. Criteria: Ambry Variant Classification Scheme 2023. Collection method: clinical testing. Allele origin: germline.
Comment: The p.V831F variant (also known as c.2491G>T), located in coding exon 17 of the TSC1 gene, results from a G to T substitution at nucleotide position 2491. The valine at codon 831 is replaced by phenylalanine, an amino acid with highly similar properties. This amino acid position is well conserved in available vertebrate species. In addition, the in silico prediction for this alteration is inconclusive. Since supporting evidence is limited at this time, the clinical significance of this alteration remains unclear.

Labcorp Genetics (formerly Invitae), Labcorp
Classification: Uncertain significance for Tuberous sclerosis 1. Last evaluated: 2024-02-13. Review status: criteria provided, single submitter. Criteria: Invitae Variant Classification Sherloc (09022015). Collection method: clinical testing. Allele origin: germline.
Comment: This sequence change replaces valine, which is neutral and non-polar, with phenylalanine, which is neutral and non-polar, at codon 831 of the TSC1 protein (p.Val831Phe). This variant is not present in population databases (gnomAD no frequency). This variant has not been reported in the literature in individuals affected with TSC1-related conditions. ClinVar contains an entry for this variant (Variation ID: 411240). Advanced modeling of protein sequence and biophysical properties (such as structural, functional, and spatial information, amino acid conservation, physicochemical variation, residue mobility, and thermodynamic stability) performed at Invitae indicates that this missense variant is not expected to disrupt TSC1 protein function with a negative predictive value of 95%. In summary, the available evidence is currently insufficient to determine the role of this variant in disease. Therefore, it has been classified as a Variant of Uncertain Significance.

NM_000368.5(TSC1):c.2491G>T (p.Val831Phe)

Gene: TSC1 (TSC complex subunit 1; minus strand). Cytogenetic location: 9q34.13.
Variant type: single nucleotide variant.
Coding change: c.2491G>T on transcript NM_000368.5 (MANE Select); coding-DNA position 2491, G replaced by T.
Protein change: p.Val831Phe; replaces valine 831 with phenylalanine.
Molecular consequence: missense variant.
Genome position (GRCh38, 1-based): chr9:132,901,600, C>A on the plus strand (G>T on the coding strand, the complement: TSC1 is on the minus strand). VCF-style: chr9-132901600-C-A. GRCh37 (hg19) VCF-style: chr9-135776987-C-A.
Other names: c.2488G>T, p.Val830Phe (NM_001162426.2); c.2338G>T, p.Val780Phe (NM_001162427.2); c.2128G>T, p.Val710Phe (NM_001362177.2); short protein forms V831F, V710F, V780F, V830F.
Identifiers: ClinVar variation 411240 (VCV000411240.10), dbSNP rs773279842, ClinGen allele CA16612626.